The following is an entry in ClinVar:

ClinVar aggregate classification (germline): Uncertain significance (1 of 4 stars; one submission).

Conditions:
Renal cell carcinoma. Identifiers: Orphanet 217071, MedGen C0007134, MeSH D002292, MONDO:0005086, HP:0005584.

Submission:

Labcorp Genetics (formerly Invitae), Labcorp
Classification: Uncertain significance for Renal cell carcinoma. Last evaluated: 2019-10-13. Review status: criteria provided, single submitter. Criteria: Invitae Variant Classification Sherloc (09022015). Collection method: clinical testing. Allele origin: germline.
Comment: This variant is not present in population databases (ExAC no frequency). This variant has not been reported in the literature in individuals with MET-related conditions. Algorithms developed to predict the effect of missense changes on protein structure and function are either unavailable or do not agree on the potential impact of this missense change (SIFT: "Tolerated"; PolyPhen-2: "Probably Damaging"; Align-GVGD: "Class C0"). In summary, the available evidence is currently insufficient to determine the role of this variant in disease. Therefore, it has been classified as a Variant of Uncertain Significance. This sequence change replaces threonine with isoleucine at codon 444 of the MET protein (p.Thr444Ile). The threonine residue is moderately conserved and there is a moderate physicochemical difference between threonine and isoleucine.

NM_000245.4(MET):c.1331C>T (p.Thr444Ile)

Gene: MET (MET proto-oncogene, receptor tyrosine kinase; plus strand). Cytogenetic location: 7q31.2.
Variant type: single nucleotide variant.
Coding change: c.1331C>T on transcript NM_000245.4 (MANE Select); coding-DNA position 1331, C replaced by T.
Protein change: p.Thr444Ile; replaces threonine 444 with isoleucine.
Molecular consequence: missense variant.
Genome position (GRCh38, 1-based): chr7:116,731,798, C>T. VCF-style: chr7-116731798-C-T. GRCh37 (hg19) VCF-style: chr7-116371852-C-T.
Other names: c.1331C>T, p.Thr444Ile (NM_001127500.3, NM_001324401.3); c.41C>T, p.Thr14Ile (NM_001324402.2); short protein forms T14I, T444I.
Identifiers: ClinVar variation 957399 (VCV000957399.9), dbSNP rs1793017472, ClinGen allele CA368972946.